The following is an entry in ClinVar:

ClinVar aggregate classification (germline): Uncertain significance (1 of 4 stars; one submission).

Submission:

Women's Health and Genetics/Laboratory Corporation of America, LabCorp
Classification: Uncertain significance. Last evaluated: 2026-01-12. Review status: criteria provided, single submitter. Criteria: LabCorp Variant Classification Summary - May 2015. Collection method: clinical testing. Allele origin: germline.
Comment: Variant summary: F8 c.341C>T (p.Pro114Leu) results in a non-conservative amino acid change in the encoded protein sequence. Algorithms developed to predict the effect of missense changes on protein structure and function all suggest that this variant is likely to be disruptive. The variant was absent in 183423 control chromosomes. c.341C>T has been observed in individuals affected with Factor VIII Deficiency (Hemophilia A) (e.g. Margaglione_2008, Santacroce_2008, Eckhardt_2013, Azadmehr_2021). These data indicate that the variant may be associated with disease. To our knowledge, no experimental evidence demonstrating an impact on protein function has been reported. The following publications have been ascertained in the context of this evaluation (PMID: 35014236, 23926300, 18387975, 18217193). No submitters have cited clinical-significance assessments for this variant to ClinVar. Based on the evidence outlined above, the variant was classified as VUS-possibly pathogenic.

Literature cited by the submitters: PubMed 23926300; PubMed 18217193; PubMed 35014236; PubMed 18387975.

NM_000132.4(F8):c.341C>T (p.Pro114Leu)

Gene: F8 (coagulation factor VIII; minus strand). Cytogenetic location: Xq28.
Variant type: single nucleotide variant.
Coding change: c.341C>T on transcript NM_000132.4 (MANE Select); coding-DNA position 341, C replaced by T.
Protein change: p.Pro114Leu; replaces proline 114 with leucine.
Molecular consequence: missense variant.
Genome position (GRCh38, 1-based): chrX:154,997,020, G>A on the plus strand (C>T on the coding strand, the complement: F8 is on the minus strand). VCF-style: chrX-154997020-G-A. GRCh37 (hg19) VCF-style: chrX-154225295-G-A.
Other names: short protein forms P114L.
Identifiers: ClinVar variation 4689473 (VCV004689473.1).